The following is an entry in ClinVar:

NM_002047.4(GARS1):c.481A>G (p.Ile161Val)

Gene: GARS1 (glycyl-tRNA synthetase 1; plus strand). Cytogenetic location: 7p14.3.
Variant type: single nucleotide variant.
Coding change: c.481A>G on transcript NM_002047.4 (MANE Select); coding-DNA position 481, A replaced by G.
Protein change: p.Ile161Val; replaces isoleucine 161 with valine.
Molecular consequence: missense variant.
Genome position (GRCh38, 1-based): chr7:30,601,112, A>G. VCF-style: chr7-30601112-A-G. GRCh37 (hg19) VCF-style: chr7-30640728-A-G.
Other names: c.319A>G, p.Ile107Val (NM_001316772.1); short protein forms I107V, I161V.
Identifiers: ClinVar variation 1699522 (VCV001699522.2), dbSNP rs1202467613, ClinGen allele CA367139432.
Genomic context (GRCh38, chr7:30,601,112, plus strand): 5'-TCTATAGGTGTTAGTGGTCTGTATGACTTTGGGCCAGTTGGCTGTGCTTTGAAGAACAAT[A>G]TTATTCAGACCTGGAGGCAGCACTTTATCCAAGAGGAACAGATCCTGGAGATCGATTGCA-3'
Protein context (NP_002038.2, residues 151-171): GPVGCALKNN[Ile161Val]IQTWRQHFIQ

ClinVar aggregate classification (germline): Uncertain significance (1 of 4 stars; one submission).

Allele frequency attached by ClinVar (database versions not stated): gnomAD exomes below 0.00001 and 0.00001.
gnomAD v4.1: 19 of 1,613,978 alleles (0.0012%); highest among the groups gnomAD compares: Non-Finnish European, 0.0016%; no homozygotes.

Submission:

GeneDx
Classification: Uncertain significance. Last evaluated: 2022-07-26. Review status: criteria provided, single submitter. Criteria: GeneDx Variant Classification Process June 2021. Collection method: clinical testing. Allele origin: germline. Affected: yes.
Comment: Not observed at significant frequency in large population cohorts (gnomAD); In silico analysis supports that this missense variant does not alter protein structure/function; Has not been previously published as pathogenic or benign to our knowledge; This variant is associated with the following publications: (PMID: 26138142, 25168514)